The following is an entry in ClinVar:

NM_000287.4(PEX6):c.643C>G (p.Leu215Val)

Gene: PEX6 (peroxisomal biogenesis factor 6; minus strand). Cytogenetic location: 6p21.1.
Variant type: single nucleotide variant.
Coding change: c.643C>G on transcript NM_000287.4 (MANE Select); coding-DNA position 643, C replaced by G.
Protein change: p.Leu215Val; replaces leucine 215 with valine.
Molecular consequence: missense variant. On other transcripts: non-coding transcript variant (1), intron variant (1).
Genome position (GRCh38, 1-based): chr6:42,978,508, G>C on the plus strand (C>G on the coding strand, the complement: PEX6 is on the minus strand). VCF-style: chr6-42978508-G-C. GRCh37 (hg19) VCF-style: chr6-42946246-G-C.
Other names: c.618+25C>G (NM_001316313.2); short protein forms L215V.
Identifiers: ClinVar variation 1353993 (VCV001353993.8), dbSNP rs865933425, ClinGen allele CA138237952.
Genomic context (GRCh38, chr6:42,978,508, plus strand): 5'-AAGTGTTCGATGACTCTCTGGCCTGGGCCACCCACACCCATTCGCCCTGGAAGAGGCCAA[G>C]GCCACGGAGACAGCTCCGGCTCACCCCTAGTGAATCTCCAGTCCCTCCCAGAACTCCCTG-3'
Protein context (NP_000278.3, residues 205-225): LGVSRSCLRG[Leu215Val]GLFQGEWVWV

ClinVar aggregate classification (germline): Uncertain significance (1 of 4 stars; one submission).

Conditions:
Peroxisome biogenesis disorder. Identifiers: Orphanet 79189, MedGen C1832200, MONDO:0019234. Disease mechanism: loss of function.

gnomAD v4.1: 1 of 1,614,160 alleles (0.000062%); highest among the groups gnomAD compares: African/African-American, 0.0013%; no homozygotes.

Submission:

Labcorp Genetics (formerly Invitae), Labcorp
Classification: Uncertain significance for Peroxisome biogenesis disorder. Last evaluated: 2023-07-10. Review status: criteria provided, single submitter. Criteria: Invitae Variant Classification Sherloc (09022015). Collection method: clinical testing. Allele origin: germline.
Comment: This sequence change replaces leucine, which is neutral and non-polar, with valine, which is neutral and non-polar, at codon 215 of the PEX6 protein (p.Leu215Val). This variant is not present in population databases (gnomAD no frequency). This variant has not been reported in the literature in individuals affected with PEX6-related conditions. ClinVar contains an entry for this variant (Variation ID: 1353993). Advanced modeling of protein sequence and biophysical properties (such as structural, functional, and spatial information, amino acid conservation, physicochemical variation, residue mobility, and thermodynamic stability) performed at Invitae indicates that this missense variant is not expected to disrupt PEX6 protein function. In summary, the available evidence is currently insufficient to determine the role of this variant in disease. Therefore, it has been classified as a Variant of Uncertain Significance.